The following is an entry in ClinVar:

ClinVar aggregate classification (germline): Uncertain significance (1 of 4 stars; one submission).

Conditions:
Inborn genetic diseases. Identifiers: MedGen C0950123, MeSH D030342.

Submission:

Ambry Genetics
Classification: Uncertain significance for Inborn genetic diseases. Last evaluated: 2023-11-22. Review status: criteria provided, single submitter. Criteria: Ambry Variant Classification Scheme 2023. Collection method: clinical testing. Allele origin: germline.
Comment: The c.6004G>T (p.V2002F) alteration is located in exon 15 (coding exon 15) of the PKD1 gene. This alteration results from a G to T substitution at nucleotide position 6004, causing the valine (V) at amino acid position 2002 to be replaced by a phenylalanine (F). This variant was not reported in population-based cohorts in the Genome Aggregation Database (gnomAD). This amino acid position is well conserved in available vertebrate species. The in silico prediction for this alteration is inconclusive. Based on insufficient or conflicting evidence, the clinical significance of this alteration remains unclear.

NM_001009944.3(PKD1):c.6004G>T (p.Val2002Phe)

Gene: PKD1 (polycystin 1, transient receptor potential channel interacting; minus strand). Cytogenetic location: 16p13.3.
Variant type: single nucleotide variant.
Coding change: c.6004G>T on transcript NM_001009944.3 (MANE Select); coding-DNA position 6004, G replaced by T.
Protein change: p.Val2002Phe; replaces valine 2002 with phenylalanine.
Molecular consequence: missense variant.
Genome position (GRCh38, 1-based): chr16:2,109,163, C>A on the plus strand (G>T on the coding strand, the complement: PKD1 is on the minus strand). VCF-style: chr16-2109163-C-A. GRCh37 (hg19) VCF-style: chr16-2159164-C-A.
Other names: c.6004G>T, p.Val2002Phe (NM_000296.4); short protein forms V2002F.
Identifiers: ClinVar variation 3213488 (VCV003213488.1), dbSNP rs1382000376, ClinGen allele CA394374754.